The following is an entry in ClinVar:

NM_001320.7(CSNK2B):c.175+1G>A

Gene: CSNK2B (casein kinase 2 beta; plus strand). Cytogenetic location: 6p21.33.
Variant type: single nucleotide variant.
Coding change: c.175+1G>A on transcript NM_001320.7 (MANE Select); the canonical splice donor site of the intron after coding-DNA position 175, G replaced by A.
Molecular consequence: splice donor variant.
Genome position (GRCh38, 1-based): chr6:31,667,971, G>A. VCF-style: chr6-31667971-G-A. GRCh37 (hg19) VCF-style: chr6-31635748-G-A.
Other names: NC_000006.11:g.31635748G>A; c.175+1G>A (NM_001282385.2).
Identifiers: ClinVar variation 2628412 (VCV002628412.3), dbSNP rs2536958403, ClinGen allele CA363472497.

ClinVar aggregate classification (germline): Pathogenic/Likely pathogenic. Review status: criteria provided, multiple submitters, no conflicts (2 of 4 stars). 2 submissions from 2 submitters: Pathogenic (1); Likely pathogenic (1). Last evaluated 2024-10-10.

Conditions:
CSNK2B-related disorder. Also called: CSNK2B-related condition.
Poirier-Bienvenu neurodevelopmental syndrome (POBINDS). Identifiers: Orphanet 689397, MedGen C5231482, MONDO:0032889, OMIM 618732.

Submissions (4):

Pediatrics, Henan Provincial People's Hospital
Classification: Pathogenic for Poirier-Bienvenu neurodevelopmental syndrome. Last evaluated: 2024-10-10. Review status: criteria provided, single submitter. Criteria: ACMG Guidelines, 2015. Collection method: clinical testing. Allele origin: de novo. Affected: yes. Observed: 1 variant allele.

PreventionGenetics, part of Exact Sciences
Classification: Likely pathogenic for CSNK2B-related condition. Last evaluated: 2022-09-29. Review status: criteria provided, single submitter. Criteria: ACMG Guidelines, 2015. Collection method: clinical testing. Allele origin: germline.
Comment: The CSNK2B c.175+1G>A variant is predicted to disrupt the GT donor site and interfere with normal splicing. To our knowledge, this variant has not been reported in the literature or in a large population database, indicating this variant is rare. Variants that disrupt consensus splice donor sites in CSNK2B are expected to be pathogenic. One neighboring example includes c.175+2T>G, which was reported to be de novo in an individual with neurodevelopmental delay and facial differences (Poirier et al. 2017. PubMed ID: 28585349). Taken together, the c.175+1G>A variant is interpreted as likely pathogenic.

Dr. Peter K. Rogan Lab, Western University
No classification provided (evidence only). Condition: Nonpapillary renal cell carcinoma. Review status: no classification provided. Collection method: in vitro. Allele origin: not applicable. Functional consequence: retained intron. Not counted in ClinVar's aggregate classification.

Dr. Peter K. Rogan Lab, Western University
No classification provided (evidence only). Condition: Nonpapillary renal cell carcinoma. Review status: no classification provided. Collection method: in vitro. Allele origin: not applicable. Functional consequence: retained intron. Not counted in ClinVar's aggregate classification.